The following is an entry in ClinVar:

ClinVar aggregate classification (germline): Uncertain significance (1 of 4 stars; one submission).

Conditions:
Beckwith-Wiedemann syndrome (BWS). Also called: EMG SYNDROME; Exomphalos macroglossia gigantism syndrome. Identifiers: Orphanet 116, MedGen C0004903, MONDO:0007534, OMIM 130650.

Allele frequency attached by ClinVar (database versions not stated): gnomAD 0.00001.

Submission:

Labcorp Genetics (formerly Invitae), Labcorp
Classification: Uncertain significance for Beckwith-Wiedemann syndrome. Last evaluated: 2021-07-14. Review status: criteria provided, single submitter. Criteria: Invitae Variant Classification Sherloc (09022015). Collection method: clinical testing. Allele origin: germline.
Comment: This variant has not been reported in the literature in individuals with CDKN1C-related conditions. This sequence change replaces alanine with serine at codon 110 of the CDKN1C protein (p.Ala110Ser). The alanine residue is weakly conserved and there is a moderate physicochemical difference between alanine and serine. The frequency data for this variant in the population databases is considered unreliable, as metrics indicate insufficient coverage at this position in the ExAC database. Algorithms developed to predict the effect of missense changes on protein structure and function (SIFT, PolyPhen-2, Align-GVGD) all suggest that this variant is likely to be tolerated, but these predictions have not been confirmed by published functional studies and their clinical significance is uncertain. In summary, the available evidence is currently insufficient to determine the role of this variant in disease. Therefore, it has been classified as a Variant of Uncertain Significance.

NM_001122630.2(CDKN1C):c.295G>T (p.Ala99Ser)

Gene: CDKN1C (cyclin dependent kinase inhibitor 1C; minus strand). Cytogenetic location: 11p15.4.
Variant type: single nucleotide variant.
Coding change: c.295G>T on transcript NM_001122630.2 (MANE Select); coding-DNA position 295, G replaced by T.
Protein change: p.Ala99Ser; replaces alanine 99 with serine.
Molecular consequence: missense variant. On other transcripts: intron variant (1).
Genome position (GRCh38, 1-based): chr11:2,885,162, C>A on the plus strand (G>T on the coding strand, the complement: CDKN1C is on the minus strand). VCF-style: chr11-2885162-C-A. GRCh37 (hg19) VCF-style: chr11-2906392-C-A.
Other names: c.328G>T, p.Ala110Ser (NM_000076.2, NM_001362474.2); c.295G>T, p.Ala99Ser (NM_001122631.2); c.255+40G>T (NM_001362475.2); short protein forms A99S, A110S.
Identifiers: ClinVar variation 1508900 (VCV001508900.8), dbSNP rs1848965651, ClinGen allele CA379146925.
Genomic context (GRCh38, chr11:2,885,162, plus strand): 5'-CGAGGCCGTCGAGGGACTCAGCGGCCGGCTCGAGGGGCGGGCTGACAGCCACCGCGACCG[C>A]GACGGGCCGCGGCGCCAGCAGCAGGCGGCAGCGCCCCACCTGCACCGTCTCGCGGTAGAA-3'
Protein context (NP_001116102.1, residues 89-109): CRLLLAPRPV[Ala99Ser]VAVAVSPPLE